The following is an entry in ClinVar:

NM_015340.4(LARS2):c.338G>A (p.Arg113Gln)

Gene: LARS2 (leucyl-tRNA synthetase 2, mitochondrial; plus strand). Cytogenetic location: 3p21.31.
Variant type: single nucleotide variant.
Coding change: c.338G>A on transcript NM_015340.4 (MANE Select); coding-DNA position 338, G replaced by A.
Protein change: p.Arg113Gln; replaces arginine 113 with glutamine.
Molecular consequence: missense variant.
Genome position (GRCh38, 1-based): chr3:45,400,348, G>A. VCF-style: chr3-45400348-G-A. GRCh37 (hg19) VCF-style: chr3-45441840-G-A.
Other names: c.338G>A, p.Arg113Gln (NM_001368263.1); short protein forms R113Q.
Identifiers: ClinVar variation 667119 (VCV000667119.45), dbSNP rs138437422, ClinGen allele CA2349265.

ClinVar aggregate classification (germline): Conflicting classifications of pathogenicity. Review status: criteria provided, conflicting classifications (1 of 4 stars). 6 submissions from 6 submitters: Uncertain significance (4); Likely benign (2). Last evaluated 2025-12-03.

Conditions:
Inborn genetic diseases. Identifiers: MedGen C0950123, MeSH D030342.

Allele frequency attached by ClinVar (database versions not stated): 1000 Genomes Project 30x 0.00016; TOPMed 0.00018; 1000 Genomes Project 0.00020; gnomAD exomes 0.00022 and 0.00043; ExAC 0.00035; ESP Exome Variant Server 0.00023; gnomAD 0.00023.
gnomAD v4.1: 369 of 1,610,012 alleles (0.023%); highest among the groups gnomAD compares: Middle Eastern, 0.12%; 1 homozygote.

Submissions (6):

Labcorp Genetics (formerly Invitae), Labcorp
Classification: Likely benign. Last evaluated: 2025-12-03. Review status: criteria provided, single submitter. Criteria: Invitae Variant Classification Sherloc (09022015). Collection method: clinical testing. Allele origin: germline.

GeneDx
Classification: Uncertain significance. Last evaluated: 2025-11-20. Review status: criteria provided, single submitter. Criteria: GeneDx Variant Classification Process June 2021. Collection method: clinical testing. Allele origin: germline. Affected: yes.
Comment: Has not been previously published as pathogenic or benign to our knowledge; In silico analysis supports that this missense variant has a deleterious effect on protein structure/function

Blueprint Genetics
Classification: Uncertain significance. Last evaluated: 2024-10-22. Review status: criteria provided, single submitter. Criteria: ACMG Guidelines, 2015. Collection method: clinical testing. Allele origin: germline.

CeGaT Center for Human Genetics Tuebingen
Classification: Uncertain significance. Last evaluated: 2023-09-01. Review status: criteria provided, single submitter. Criteria: CeGaT Center For Human Genetics Tuebingen Variant Classification Criteria Version 2. Collection method: clinical testing. Allele origin: germline. Affected: yes. Observed: 1 variant allele.

Ambry Genetics
Classification: Uncertain significance for Inborn genetic diseases. Last evaluated: 2021-03-19. Review status: criteria provided, single submitter. Criteria: Ambry Variant Classification Scheme 2023. Collection method: clinical testing. Allele origin: germline.
Comment: The c.338G>A (p.R113Q) alteration is located in exon 4 (coding exon 2) of the LARS2 gene. This alteration results from a G to A substitution at nucleotide position 338, causing the arginine (R) at amino acid position 113 to be replaced by a glutamine (Q). The in silico prediction for the p.R113Q alteration is inconclusive. Based on insufficient or conflicting evidence, the clinical significance of this alteration remains unclear.

Laboratory for Molecular Medicine, Mass General Brigham Personalized Medicine
Classification: Likely benign. Last evaluated: 2018-07-27. Review status: criteria provided, single submitter. Criteria: LMM Criteria. Collection method: clinical testing. Allele origin: germline. Observed: 1 variant allele.
Comment: The p.Arg113Gln variant in LARS2 is classified as likely benign because it has b een identified in 0.3% (31/9730) of Ashkenazi Jewish chromosomes and 0.1% (27/25 606) European chromosomes by the Genome Aggregation Database (gnomAD, dbSNP rs138437422). Computational prediction tools and co nservation analysis suggest that the p.Arg113Gln variant may not impact the prot ein. ACMG/AMP Criteria applied: BS1, BP4.